The following is an entry in ClinVar:

NM_001349253.2(SCN11A):c.1516T>C (p.Ser506Pro)

Gene: SCN11A (sodium voltage-gated channel alpha subunit 11; minus strand). Cytogenetic location: 3p22.2.
Variant type: single nucleotide variant.
Coding change: c.1516T>C on transcript NM_001349253.2 (MANE Select); coding-DNA position 1516, T replaced by C.
Protein change: p.Ser506Pro; replaces serine 506 with proline.
Molecular consequence: missense variant.
Genome position (GRCh38, 1-based): chr3:38,905,279, A>G on the plus strand (T>C on the coding strand, the complement: SCN11A is on the minus strand). VCF-style: chr3-38905279-A-G. GRCh37 (hg19) VCF-style: chr3-38946770-A-G.
Other names: c.1516T>C, p.Ser506Pro (NM_014139.3); short protein forms S506P.
Identifiers: ClinVar variation 4793822 (VCV004793822.1).

ClinVar aggregate classification (germline): Uncertain significance (1 of 4 stars; one submission).

Conditions:
Familial episodic pain syndrome with predominantly lower limb involvement. Also called: Episodic pain syndrome, familial, 3. Identifiers: Orphanet 391384, Orphanet 391392, MedGen C3809899, MONDO:0014247, OMIM 615552.
Hereditary sensory and autonomic neuropathy type 7. Also called: Neuropathy, hereditary sensory and autonomic, type VII; HSAN VII. Identifiers: Orphanet 391397, MedGen C3809882, MONDO:0014244, OMIM 615548.

gnomAD v4.1: 1 of 1,614,086 alleles (0.000062%); highest among the groups gnomAD compares: East Asian, 0.0022%; no homozygotes.

Submission:

Labcorp Genetics (formerly Invitae), Labcorp
Classification: Uncertain significance for Familial episodic pain syndrome with predominantly lower limb involvement; Hereditary sensory and autonomic neuropathy type 7. Last evaluated: 2025-03-17. Review status: criteria provided, single submitter. Criteria: Invitae Variant Classification Sherloc (09022015). Collection method: clinical testing. Allele origin: germline.
Comment: This sequence change replaces serine, which is neutral and polar, with proline, which is neutral and non-polar, at codon 506 of the SCN11A protein (p.Ser506Pro). This variant is not present in population databases (gnomAD no frequency). This variant has not been reported in the literature in individuals affected with SCN11A-related conditions. Invitae Evidence Modeling of protein sequence and biophysical properties (such as structural, functional, and spatial information, amino acid conservation, physicochemical variation, residue mobility, and thermodynamic stability) indicates that this missense variant is not expected to disrupt SCN11A protein function with a negative predictive value of 80%. In summary, the available evidence is currently insufficient to determine the role of this variant in disease. Therefore, it has been classified as a Variant of Uncertain Significance.